The following is an entry in ClinVar:

ClinVar aggregate classification (germline): Uncertain significance. Review status: criteria provided, multiple submitters, no conflicts (2 of 4 stars). 2 submissions from 2 submitters: Uncertain significance (2). Last evaluated 2025-12-23.

Conditions:
SLC27A5-related disorder. Also called: SLC27A5-related condition.

Allele frequency attached by ClinVar (database versions not stated): TOPMed 0.00002.
gnomAD v4.1: 28 of 1,613,934 alleles (0.0017%); highest among the groups gnomAD compares: Middle Eastern, 0.016%; no homozygotes.

Submissions (2):

PreventionGenetics, part of Exact Sciences
Classification: Uncertain significance for SLC27A5-related condition. Last evaluated: 2025-12-23. Review status: criteria provided, single submitter. Criteria: ACMG Guidelines, 2015. Collection method: clinical testing. Allele origin: germline.
Comment: The SLC27A5 c.1846G>T variant is predicted to result in the amino acid substitution p.Val616Phe. To our knowledge, this variant has not been reported in the literature. This variant is reported in 0.0044% of alleles in individuals of European (Non-Finnish) descent in gnomAD. At this time, the clinical significance of this variant is uncertain due to the absence of conclusive functional and genetic evidence.

Ambry Genetics
Classification: Uncertain significance. Last evaluated: 2025-09-10. Review status: criteria provided, single submitter. Criteria: Ambry Variant Classification Scheme 2023. Collection method: clinical testing. Allele origin: germline.

NM_012254.3(SLC27A5):c.1846G>T (p.Val616Phe)

Gene: SLC27A5 (solute carrier family 27 member 5; minus strand). Cytogenetic location: 19q13.43.
Variant type: single nucleotide variant.
Coding change: c.1846G>T on transcript NM_012254.3 (MANE Select); coding-DNA position 1846, G replaced by T.
Protein change: p.Val616Phe; replaces valine 616 with phenylalanine.
Molecular consequence: missense variant.
Genome position (GRCh38, 1-based): chr19:58,498,835, C>A on the plus strand (G>T on the coding strand, the complement: SLC27A5 is on the minus strand). VCF-style: chr19-58498835-C-A. GRCh37 (hg19) VCF-style: chr19-59010202-C-A.
Other names: c.1594G>T, p.Val532Phe (NM_001321196.2); short protein forms V532F, V616F.
Identifiers: ClinVar variation 2634170 (VCV002634170.3), dbSNP rs563989657, ClinGen allele CA9717799.
Genomic context (GRCh38, chr19:58,498,835, plus strand): 5'-CTGGGCTCACCTGGATGCGGATGAAATGGGGGGTAGCGTAGGCAGGGAGCCAAGCGCGAA[C>A]GTGCTGGTACAACTTCTCCCCGTCGAAAGTCTGGCCGGGGGCTAGCTGCACAGCAGCCAT-3'
Protein context (NP_036386.1, residues 606-626): TFDGEKLYQH[Val616Phe]RAWLPAYATP